The following is an entry in ClinVar:

NM_007194.4(CHEK2):c.431T>C (p.Phe144Ser)

Gene: CHEK2 (checkpoint kinase 2; minus strand). Cytogenetic location: 22q12.1.
Variant type: single nucleotide variant.
Coding change: c.431T>C on transcript NM_007194.4 (MANE Select); coding-DNA position 431, T replaced by C.
Protein change: p.Phe144Ser; replaces phenylalanine 144 with serine.
Molecular consequence: missense variant.
Genome position (GRCh38, 1-based): chr22:28,725,256, A>G on the plus strand (T>C on the coding strand, the complement: CHEK2 is on the minus strand). VCF-style: chr22-28725256-A-G. GRCh37 (hg19) VCF-style: chr22-29121244-A-G.
Other names: c.560T>C, p.Phe187Ser (NM_001005735.3); c.-347T>C (NM_001257387.3); c.431T>C, p.Phe144Ser (NM_001349956.3, NM_145862.3); short protein forms F187S, F144S.
Identifiers: ClinVar variation 1739693 (VCV001739693.5), dbSNP rs2053956853, ClinGen allele CA411107902.

ClinVar aggregate classification (germline): Uncertain significance. Review status: criteria provided, multiple submitters, no conflicts (2 of 4 stars). 2 submissions from 2 submitters: Uncertain significance (2). Last evaluated 2025-11-30.

Conditions:
Hereditary cancer-predisposing syndrome. Also called: Hereditary Cancer Syndrome; Hereditary neoplastic syndrome; Neoplastic Syndromes, Hereditary; Tumor predisposition. Identifiers: Orphanet 140162, MedGen C0027672, MeSH D009386, MONDO:0015356.
Familial cancer of breast. Also called: Hereditary breast cancer; BREAST CANCER, FAMILIAL; hereditary breast carcinoma. Identifiers: Orphanet 227535, MedGen C0346153, MONDO:0016419, OMIM 114480. Disease mechanism: loss of function.

Allele frequency attached by ClinVar (database versions not stated): gnomAD exomes below 0.00001.
gnomAD v4.1: 1 of 1,614,126 alleles (0.000062%); highest among the groups gnomAD compares: Non-Finnish European, 0.000085%; no homozygotes.

Submissions (2):

Ambry Genetics
Classification: Uncertain significance for Hereditary cancer-predisposing syndrome. Last evaluated: 2025-11-30. Review status: criteria provided, single submitter. Criteria: Ambry Variant Classification Scheme 2023. Collection method: clinical testing. Allele origin: germline.
Comment: The p.F144S variant (also known as c.431T>C), located in coding exon 2 of the CHEK2 gene, results from a T to C substitution at nucleotide position 431. The phenylalanine at codon 144 is replaced by serine, an amino acid with highly dissimilar properties. This amino acid position is highly conserved in available vertebrate species. In addition, this alteration is predicted to be deleterious by in silico analysis. Since supporting evidence is limited at this time, the clinical significance of this alteration remains unclear.

Labcorp Genetics (formerly Invitae), Labcorp
Classification: Uncertain significance for Familial cancer of breast. Last evaluated: 2024-05-18. Review status: criteria provided, single submitter. Criteria: Invitae Variant Classification Sherloc (09022015). Collection method: clinical testing. Allele origin: germline.
Comment: This sequence change replaces phenylalanine, which is neutral and non-polar, with serine, which is neutral and polar, at codon 144 of the CHEK2 protein (p.Phe144Ser). This variant is not present in population databases (gnomAD no frequency). This variant has not been reported in the literature in individuals affected with CHEK2-related conditions. ClinVar contains an entry for this variant (Variation ID: 1739693). An algorithm developed to predict the effect of missense changes on protein structure and function (PolyPhen-2) suggests that this variant is likely to be disruptive. In summary, the available evidence is currently insufficient to determine the role of this variant in disease. Therefore, it has been classified as a Variant of Uncertain Significance.